The following is an entry in ClinVar:

ClinVar aggregate classification (germline): Conflicting classifications of pathogenicity. Review status: criteria provided, conflicting classifications (1 of 4 stars). 3 submissions from 3 submitters: Likely pathogenic (2); Uncertain significance (1). Last evaluated 2024-11-21.

Conditions:
Acromesomelic dysplasia 1, Maroteaux type (AMD1). Also called: ST. HELENA DYSPLASIA; ACROMESOMELIC DYSPLASIA 1. Identifiers: Orphanet 40, MedGen C1864356, MONDO:0011275, OMIM 602875.
Tall stature-scoliosis-macrodactyly of the great toes syndrome. Also called: Epiphyseal chondrodysplasia, miura type. Identifiers: Orphanet 329191, MedGen C4014690, MONDO:0014401, OMIM 615923.
Short stature with nonspecific skeletal abnormalities. Identifiers: MedGen C4225399, MONDO:0975810.

Allele frequency attached by ClinVar (database versions not stated): TOPMed below 0.00001; gnomAD exomes below 0.00001; gnomAD 0.00001.
gnomAD v4.1: 2 of 1,614,094 alleles (0.00012%); highest among the groups gnomAD compares: Non-Finnish European, 0.00017%; no homozygotes.

Submissions (3):

Institute of Medical Genetics and Applied Genomics, University Hospital Tübingen
Classification: Likely pathogenic for Short stature with nonspecific skeletal abnormalities 1. Last evaluated: 2024-11-21. Review status: criteria provided, single submitter. Criteria: ACMG Guidelines, 2015. Collection method: clinical testing. Allele origin: germline. Inheritance: Autosomal dominant inheritance. Affected: yes.

Labcorp Genetics (formerly Invitae), Labcorp
Classification: Uncertain significance for Tall stature-scoliosis-macrodactyly of the great toes syndrome; Acromesomelic dysplasia 1, Maroteaux type. Last evaluated: 2024-10-17. Review status: criteria provided, single submitter. Criteria: Invitae Variant Classification Sherloc (09022015). Collection method: clinical testing. Allele origin: germline.
Comment: This sequence change replaces tyrosine, which is neutral and polar, with cysteine, which is neutral and slightly polar, at codon 708 of the NPR2 protein (p.Tyr708Cys). This variant is not present in population databases (gnomAD no frequency). This missense change has been observed in individual(s) with acromesomelic dysplasia, type Maroteaux (PMID: 15146390). ClinVar contains an entry for this variant (Variation ID: 2499814). Invitae Evidence Modeling of protein sequence and biophysical properties (such as structural, functional, and spatial information, amino acid conservation, physicochemical variation, residue mobility, and thermodynamic stability) indicates that this missense variant is expected to disrupt NPR2 protein function with a positive predictive value of 80%. Experimental studies have shown that this missense change does not substantially affect NPR2 function (PMID: 18945719, 26980729). In summary, the available evidence is currently insufficient to determine the role of this variant in disease. Therefore, it has been classified as a Variant of Uncertain Significance.

GeneDx
Classification: Likely pathogenic. Last evaluated: 2023-04-18. Review status: criteria provided, single submitter. Criteria: GeneDx Variant Classification Process June 2021. Collection method: clinical testing. Allele origin: germline. Affected: yes.
Comment: Published functional studies demonstrate a damaging effect (Hume et al., 2009; Dickey et al., 2016); Not observed at significant frequency in large population cohorts (gnomAD); This variant is associated with the following publications: (PMID: 18945719, 15146390, 26980729)

Literature cited by the submitters: PubMed 15146390 (cited by Labcorp Genetics (formerly Invitae), Labcorp); PubMed 18945719 (cited by Labcorp Genetics (formerly Invitae), Labcorp); PubMed 26980729 (cited by Labcorp Genetics (formerly Invitae), Labcorp).

NM_003995.4(NPR2):c.2123A>G (p.Tyr708Cys)

Genes: NPR2 (natriuretic peptide receptor 2; plus strand), SPAG8 (sperm associated antigen 8; minus strand). Cytogenetic location: 9p13.3.
Variant type: single nucleotide variant.
Coding change: c.2123A>G on transcript NM_003995.4 (MANE Select); coding-DNA position 2123, A replaced by G.
Protein change: p.Tyr708Cys; replaces tyrosine 708 with cysteine.
Molecular consequence: missense variant.
Genome position (GRCh38, 1-based): chr9:35,805,905, A>G. VCF-style: chr9-35805905-A-G. GRCh37 (hg19) VCF-style: chr9-35805902-A-G.
Other names: c.2132A>G, p.Tyr711Cys (NM_001378923.1); short protein forms Y708C, Y711C.
Identifiers: ClinVar variation 2499814 (VCV002499814.4), dbSNP rs1305337032, ClinGen allele CA373378444.